The following is an entry in ClinVar:

ClinVar aggregate classification (germline): Pathogenic (1 of 4 stars; one submission).

Conditions:
Autosomal recessive polycystic kidney disease (ARPKD). Also called: AR polycystic kidney disease. Identifiers: Orphanet 731, Orphanet 8378, MedGen C0085548, MeSH D017044, MONDO:0009889.

Submission:

Labcorp Genetics (formerly Invitae), Labcorp
Classification: Pathogenic for Autosomal recessive polycystic kidney disease. Last evaluated: 2023-11-28. Review status: criteria provided, single submitter. Criteria: Invitae Variant Classification Sherloc (09022015). Collection method: clinical testing. Allele origin: germline.
Comment: This sequence change creates a premature translational stop signal (p.Ser2627*) in the PKHD1 gene. It is expected to result in an absent or disrupted protein product. Loss-of-function variants in PKHD1 are known to be pathogenic (PMID: 19940839). This variant is not present in population databases (gnomAD no frequency). This variant has not been reported in the literature in individuals affected with PKHD1-related conditions. For these reasons, this variant has been classified as Pathogenic.

Literature cited by the submitters: PubMed 19940839.

NM_138694.4(PKHD1):c.7880_7881del (p.Gln2626_Ser2627insTer)

Gene: PKHD1 (PKHD1 ciliary IPT domain containing fibrocystin/polyductin; minus strand). Cytogenetic location: 6p12.2.
Variant type: Deletion.
Coding change: c.7880_7881del on transcript NM_138694.4 (MANE Select); coding-DNA positions 7880 to 7881, 2 bases deleted (CT; older notation c.7880_7881delCT).
Protein change: p.Gln2626_Ser2627insTer.
Molecular consequence: nonsense.
Genome position (GRCh38, 1-based): chr6:51,855,923-51,855,924, AG deleted on the plus strand (CT on the coding strand, the reverse complement: PKHD1 is on the minus strand); deleting any 2 consecutive bases within chr6:51,855,923-51,855,925 gives the same sequence; the c. name uses the placement nearest the transcript's 3' end. VCF-style (leftmost placement, unchanged base first): chr6-51855922-CAG-C. GRCh37 (hg19) VCF-style: chr6-51720720-CAG-C.
Other names: c.7880_7881del, p.Gln2626_Ser2627insTer (NM_170724.3).
Identifiers: ClinVar variation 2803157 (VCV002803157.3), dbSNP rs2535810722, ClinGen allele CA2739273076.
Genomic context (GRCh38, chr6:51,855,922, plus strand): 5'-AGCATACCAACTAATGGATTCCTTGGGTTACCTGCAGAGATCTGTTGATCCAAAGGTTCT[CAG>C]ATTGCAATGAGTAGGTCTCTTGGTCCAAGAGCAGAGCCATCCAGCCACGAGGGTTAGACA-3'